The following is an entry in ClinVar:

NM_000890.5(KCNJ5):c.480G>C (p.Lys160Asn)

Gene: KCNJ5 (potassium inwardly rectifying channel subfamily J member 5; plus strand). Cytogenetic location: 11q24.3.
Variant type: single nucleotide variant.
Coding change: c.480G>C on transcript NM_000890.5 (MANE Select); coding-DNA position 480, G replaced by C.
Protein change: p.Lys160Asn; replaces lysine 160 with asparagine.
Molecular consequence: missense variant.
Genome position (GRCh38, 1-based): chr11:128,911,753, G>C. VCF-style: chr11-128911753-G-C. GRCh37 (hg19) VCF-style: chr11-128781648-G-C.
Other names: c.480G>C, p.Lys160Asn (NM_001354169.2); short protein forms K160N.
Identifiers: ClinVar variation 5023008 (VCV005023008.1).
Genomic context (GRCh38, chr11:128,911,753, plus strand): 5'-CCTGTTCTCCATTGAGACCGAAACAACCATTGGGTATGGCTTCCGAGTCATCACAGAGAA[G>C]TGTCCAGAGGGGATTATACTCCTCTTGGTCCAGGCCATCCTGGGCTCCATCGTCAATGCC-3'
Protein context (NP_000881.3, residues 150-170): IGYGFRVITE[Lys160Asn]CPEGIILLLV

ClinVar aggregate classification (germline): Uncertain significance (1 of 4 stars; one submission).

Conditions:
Cardiovascular phenotype. Identifiers: MedGen CN230736.

Submission:

Ambry Genetics
Classification: Uncertain significance for Cardiovascular phenotype. Last evaluated: 2026-08-29. Review status: criteria provided, single submitter. Criteria: Ambry Variant Classification Scheme 2023. Collection method: clinical testing. Allele origin: germline.
Comment: The p.K160N variant (also known as c.480G>C), located in coding exon 1 of the KCNJ5 gene, results from a G to C substitution at nucleotide position 480. The lysine at codon 160 is replaced by asparagine, an amino acid with similar properties. This amino acid position is conserved. In addition, the in silico prediction for this alteration is inconclusive. Based on the available evidence, the clinical significance of this variant remains unclear.